The following is an entry in ClinVar:

NM_000057.4(BLM):c.511dup (p.Thr171fs)

Gene: BLM (BLM RecQ like helicase; plus strand). Cytogenetic location: 15q26.1.
Variant type: Duplication.
Coding change: c.511dup on transcript NM_000057.4 (MANE Select); coding-DNA position 511, one base duplicated (A; older notation c.511dupA).
Protein change: p.Thr171fs; shifts the reading frame from threonine 171.
Molecular consequence: frameshift variant. On other transcripts: 5 prime UTR variant (1).
Genome position (GRCh38, 1-based): chr15:90,749,779, A duplicated. VCF-style (leftmost placement, unchanged base first): chr15-90749778-T-TA. GRCh37 (hg19) VCF-style: chr15-91293008-T-TA.
Other names: c.511dup, p.Thr171fs (NM_001287246.2, NM_001287247.2); c.-781dup (NM_001287248.2); c.511dupA (NM_000057.3, NM_000057.2); short protein forms T171fs.
Identifiers: ClinVar variation 1745463 (VCV001745463.7), dbSNP rs2505392993, ClinGen allele CA2580090275.
Genomic context (GRCh38, chr15:90,749,778, plus strand): 5'-CATCAATGATTGGGATGATATGGATGACTTTGATACTTCTGAGACTTCAAAATCATTTGT[T>TA]ACACCACCCCAAAGTCACTTTGTAAGAGTAAGCACTGCTCAGAAATCAAAAAAGGGTAAG-3'

ClinVar aggregate classification (germline): Pathogenic/Likely pathogenic. Review status: criteria provided, multiple submitters, no conflicts (2 of 4 stars). 4 submissions from 4 submitters: Pathogenic (3); Likely pathogenic (1). Last evaluated 2026-07-22.

Conditions:
Hereditary cancer-predisposing syndrome. Also called: Hereditary neoplastic syndrome; Neoplastic Syndromes, Hereditary; Tumor predisposition; Hereditary Cancer Syndrome. Identifiers: Orphanet 140162, MedGen C0027672, MeSH D009386, MONDO:0015356.
Bloom syndrome (BLM). Also called: Bloom-Torre-Machacek syndrome. Identifiers: Orphanet 125, MedGen C0005859, MONDO:0008876, OMIM 210900.

Allele frequency attached by ClinVar (database versions not stated): gnomAD exomes 0.00001.

Submissions (4):

Myriad Genetics, Inc.
Classification: Pathogenic for Bloom syndrome. Last evaluated: 2026-07-22. Review status: criteria provided, single submitter. Criteria: Myriad Autosomal Dominant, Autosomal Recessive and X-Linked Classification Criteria (2023). Collection method: clinical testing. Allele origin: unknown.
Comment: This variant is considered pathogenic. This variant creates a frameshift predicted to result in premature protein truncation.

Natera, Inc.
Classification: Likely pathogenic for Bloom syndrome. Last evaluated: 2026-01-11. Review status: criteria provided, single submitter. Criteria: Natera Variant Classification Schema (03/2026). Collection method: clinical testing. Allele origin: germline.
Comment: The c.511dupA variant in BLM is a frameshift variant predicted to shift the reading frame beginning at codon 171 and leads to a stop codon 20 codons downstream. This variant is expected to result in nonsense mediated decay, truncation, or a dysfunctional protein product. This variant is rare in the general population with a frequency below the threshold expected for the associated phenotype(s). Given the available evidence, this variant is classified as Likely Pathogenic.

Labcorp Genetics (formerly Invitae), Labcorp
Classification: Pathogenic for Bloom syndrome. Last evaluated: 2023-03-18. Review status: criteria provided, single submitter. Criteria: Invitae Variant Classification Sherloc (09022015). Collection method: clinical testing. Allele origin: germline.
Comment: ClinVar contains an entry for this variant (Variation ID: 1745463). This sequence change creates a premature translational stop signal (p.Thr171Asnfs*20) in the BLM gene. It is expected to result in an absent or disrupted protein product. Loss-of-function variants in BLM are known to be pathogenic (PMID: 17407155). This variant is not present in population databases (gnomAD no frequency). This variant has not been reported in the literature in individuals affected with BLM-related conditions. For these reasons, this variant has been classified as Pathogenic.

Ambry Genetics
Classification: Pathogenic for Hereditary cancer-predisposing syndrome. Last evaluated: 2022-07-12. Review status: criteria provided, single submitter. Criteria: Ambry Variant Classification Scheme 2023. Collection method: clinical testing. Allele origin: germline.
Comment: The c.511dupA pathogenic mutation, located in coding exon 2 of the BLM gene, results from a duplication of A at nucleotide position 511, causing a translational frameshift with a predicted alternate stop codon (p.T171Nfs*20). This variant is considered to be rare based on population cohorts in the Genome Aggregation Database (gnomAD). This alteration is expected to result in loss of function by premature protein truncation or nonsense-mediated mRNA decay. As such, this alteration is interpreted as a disease-causing mutation.

Literature cited by the submitters: PubMed 17407155 (cited by Labcorp Genetics (formerly Invitae), Labcorp).